The following is an entry in ClinVar:

NM_001134363.3(RBM20):c.710G>A (p.Gly237Asp)

Gene: RBM20 (RNA binding motif protein 20; plus strand). Cytogenetic location: 10q25.2.
Variant type: single nucleotide variant.
Coding change: c.710G>A on transcript NM_001134363.3 (MANE Select); coding-DNA position 710, G replaced by A.
Protein change: p.Gly237Asp; replaces glycine 237 with aspartic acid.
Molecular consequence: missense variant.
Genome position (GRCh38, 1-based): chr10:110,781,319, G>A. VCF-style: chr10-110781319-G-A. GRCh37 (hg19) VCF-style: chr10-112541077-G-A.
Other names: p.Gly237Asp; short protein forms G237D.
Identifiers: ClinVar variation 2963811 (VCV002963811.4), dbSNP rs761557813, ClinGen allele CA378382476.

ClinVar aggregate classification (germline): Uncertain significance. Review status: criteria provided, multiple submitters, no conflicts (2 of 4 stars). 2 submissions from 2 submitters: Uncertain significance (2). Last evaluated 2025-06-20.

Conditions:
Dilated cardiomyopathy 1DD (CMD1DD). Identifiers: Orphanet 154, MedGen C2750995, MONDO:0013168, OMIM 613172.

Submissions (2):

Mayo Clinic Laboratories, Mayo Clinic
Classification: Uncertain significance. Last evaluated: 2025-06-20. Review status: criteria provided, single submitter. Criteria: ACMG Guidelines, 2015. Collection method: clinical testing. Allele origin: germline. Observed: 1 variant allele.
Comment: BP4, PM2_supporting

Labcorp Genetics (formerly Invitae), Labcorp
Classification: Uncertain significance for Dilated cardiomyopathy 1DD. Last evaluated: 2023-01-30. Review status: criteria provided, single submitter. Criteria: Invitae Variant Classification Sherloc (09022015). Collection method: clinical testing. Allele origin: germline.
Comment: In summary, the available evidence is currently insufficient to determine the role of this variant in disease. Therefore, it has been classified as a Variant of Uncertain Significance. Advanced modeling of protein sequence and biophysical properties (such as structural, functional, and spatial information, amino acid conservation, physicochemical variation, residue mobility, and thermodynamic stability) performed at Invitae indicates that this missense variant is not expected to disrupt RBM20 protein function. This variant has not been reported in the literature in individuals affected with RBM20-related conditions. This variant is not present in population databases (gnomAD no frequency). This sequence change replaces glycine, which is neutral and non-polar, with aspartic acid, which is acidic and polar, at codon 237 of the RBM20 protein (p.Gly237Asp).